The following is an entry in ClinVar:

NM_005055.5(RAPSN):c.1207C>T (p.Arg403Cys)

Gene: RAPSN (receptor associated protein of the synapse; minus strand). Cytogenetic location: 11p11.2.
Variant type: single nucleotide variant.
Coding change: c.1207C>T on transcript NM_005055.5 (MANE Select); coding-DNA position 1207, C replaced by T.
Protein change: p.Arg403Cys; replaces arginine 403 with cysteine.
Molecular consequence: missense variant.
Genome position (GRCh38, 1-based): chr11:47,438,007, G>A on the plus strand (C>T on the coding strand, the complement: RAPSN is on the minus strand). VCF-style: chr11-47438007-G-A. GRCh37 (hg19) VCF-style: chr11-47459558-G-A.
Other names: c.1030C>T, p.Arg344Cys (NM_032645.5); short protein forms R344C, R403C.
Identifiers: ClinVar variation 1429976 (VCV001429976.3), dbSNP rs1165174416, ClinGen allele CA380325529.

ClinVar aggregate classification (germline): Uncertain significance (1 of 4 stars; one submission).

Conditions:
Fetal akinesia deformation sequence 1 (FADS1). Also called: Pena-Shokeir syndrome type I; Fetal akinesia sequence. Identifiers: Orphanet 994, MedGen C1276035, MONDO:0100101, OMIM 208150, HP:0001989.
Congenital myasthenic syndrome 11. Also called: Myasthenic syndrome, congenital, 11, associated with acetylcholine receptor deficiency; MYASTHENIC SYNDROME, CONGENITAL, Ie. Identifiers: Orphanet 590, MedGen C4225367, MONDO:0014588, OMIM 616326.

Allele frequency attached by ClinVar (database versions not stated): gnomAD exomes below 0.00001 and 0.00001; TOPMed 0.00001.

Submission:

Labcorp Genetics (formerly Invitae), Labcorp
Classification: Uncertain significance for Congenital myasthenic syndrome 11; Fetal akinesia deformation sequence 1. Last evaluated: 2021-12-15. Review status: criteria provided, single submitter. Criteria: Invitae Variant Classification Sherloc (09022015). Collection method: clinical testing. Allele origin: germline.
Comment: This sequence change replaces arginine, which is basic and polar, with cysteine, which is neutral and slightly polar, at codon 403 of the RAPSN protein (p.Arg403Cys). The frequency data for this variant in the population databases is considered unreliable, as metrics indicate poor data quality at this position in the gnomAD database. This variant has not been reported in the literature in individuals affected with RAPSN-related conditions. Algorithms developed to predict the effect of missense changes on protein structure and function are either unavailable or do not agree on the potential impact of this missense change (SIFT: "Deleterious"; PolyPhen-2: "Probably Damaging"; Align-GVGD: "Class C0"). In summary, the available evidence is currently insufficient to determine the role of this variant in disease. Therefore, it has been classified as a Variant of Uncertain Significance.